The following is an entry in ClinVar:

ClinVar aggregate classification (germline): Uncertain significance (1 of 4 stars; one submission).

Conditions:
PLXNA1-related disorder. Also called: PLXNA1-related condition.

Submission:

PreventionGenetics, part of Exact Sciences
Classification: Uncertain significance for PLXNA1-related condition. Last evaluated: 2026-09-10. Review status: criteria provided, single submitter. Criteria: ACMG Guidelines, 2015. Collection method: clinical testing. Allele origin: germline.
Comment: The PLXNA1 c.3238C>T variant is predicted to result in premature protein termination (p.Arg1080*). To our knowledge, this variant has not been reported in the literature. This variant is reported in 0.00088% of alleles in individuals of European (Non-Finnish) descent in gnomAD. Loss of function is not a well established mechanism of PLXNA1-related disease. Although we suspect that this variant may be pathogenic, at this time, the clinical significance of this variant is uncertain due to the absence of conclusive functional and genetic evidence.

NM_032242.4(PLXNA1):c.3238C>T (p.Arg1080Ter)

Gene: PLXNA1 (plexin A1; plus strand). Cytogenetic location: 3q21.3.
Variant type: single nucleotide variant.
Coding change: c.3238C>T on transcript NM_032242.4 (MANE Select); coding-DNA position 3238, C replaced by T.
Protein change: p.Arg1080Ter; replaces arginine 1080 with a stop codon.
Molecular consequence: nonsense.
Genome position (GRCh38, 1-based): chr3:127,016,999, C>T. VCF-style: chr3-127016999-C-T. GRCh37 (hg19) VCF-style: chr3-126735842-C-T.
Other names: short protein forms R1080*.
Identifiers: ClinVar variation 4990699 (VCV004990699.1).